The following is an entry in ClinVar:

ClinVar aggregate classification (germline): Uncertain significance. Review status: criteria provided, multiple submitters, no conflicts (2 of 4 stars). 2 submissions from 2 submitters: Uncertain significance (2). Last evaluated 2024-05-21.

Conditions:
Xanthinuria type II. Also called: Xanthine dehydrogenase and aldehyde oxidase combined deficiency of; XDH and AOX dual deficiency. Identifiers: Orphanet 3467, Orphanet 93602, MedGen C1863688, MONDO:0011346, OMIM 603592.

gnomAD v4.1: 31 of 1,613,980 alleles (0.0019%); highest among the groups gnomAD compares: Admixed American, 0.005%; no homozygotes.

Submissions (2):

Fulgent Genetics
Classification: Uncertain significance for Xanthinuria type II. Last evaluated: 2024-05-21. Review status: criteria provided, single submitter. Criteria: ACMG Guidelines, 2015. Collection method: clinical testing. Allele origin: germline.

Labcorp Genetics (formerly Invitae), Labcorp
Classification: Uncertain significance for Xanthinuria type II. Last evaluated: 2022-02-10. Review status: criteria provided, single submitter. Criteria: Invitae Variant Classification Sherloc (09022015). Collection method: clinical testing. Allele origin: germline.
Comment: In summary, the available evidence is currently insufficient to determine the role of this variant in disease. Therefore, it has been classified as a Variant of Uncertain Significance. Algorithms developed to predict the effect of missense changes on protein structure and function are either unavailable or do not agree on the potential impact of this missense change (SIFT: "Deleterious"; PolyPhen-2: "Possibly Damaging"; Align-GVGD: "Class C0"). ClinVar contains an entry for this variant (Variation ID: 1056797). This variant has not been reported in the literature in individuals affected with MOCOS-related conditions. This variant is present in population databases (rs757679830, gnomAD 0.006%). This sequence change replaces arginine, which is basic and polar, with tryptophan, which is neutral and slightly polar, at codon 644 of the MOCOS protein (p.Arg644Trp).

NM_017947.4(MOCOS):c.1930C>T (p.Arg644Trp)

Gene: MOCOS (molybdenum cofactor sulfurase; plus strand). Cytogenetic location: 18q12.2.
Variant type: single nucleotide variant.
Coding change: c.1930C>T on transcript NM_017947.4 (MANE Select); coding-DNA position 1930, C replaced by T.
Protein change: p.Arg644Trp; replaces arginine 644 with tryptophan.
Molecular consequence: missense variant.
Genome position (GRCh38, 1-based): chr18:36,220,187, C>T. VCF-style: chr18-36220187-C-T. GRCh37 (hg19) VCF-style: chr18-33800150-C-T.
Other names: short protein forms R644W.
Identifiers: ClinVar variation 1056797 (VCV001056797.10), dbSNP rs757679830, ClinGen allele CA8940867.
Genomic context (GRCh38, chr18:36,220,187, plus strand): 5'-GTTTGCCTGAGTCAGAAGCAGGAACCCCGGCTCTGCCTGATCCAGCCCTTCATCGACTTG[C>T]GGCAAAGGATCATGGTCATCAAAGCCAAAGGTGGGAAAACTGCTTCATTTTCACAGAGCA-3'
Protein context (NP_060417.4, residues 634-654): LCLIQPFIDL[Arg644Trp]QRIMVIKAKG